The following is an entry in ClinVar:

ClinVar aggregate classification (germline): Pathogenic. Review status: criteria provided, single submitter (1 of 4 stars). 2 submissions from 2 submitters: Pathogenic (1). 1 of the submissions does not count toward it. Last evaluated 2025-10-27.

Conditions:
Neuronal ceroid lipofuscinosis 1 (CLN1). Also called: CEROID LIPOFUSCINOSIS, NEURONAL, 1, VARIABLE AGE AT ONSET; PPT1-Related Neuronal Ceroid-Lipofuscinosis. Identifiers: Orphanet 228329, MedGen C1850451, MONDO:0009744, OMIM 256730.

Submissions (2):

Labcorp Genetics (formerly Invitae), Labcorp
Classification: Pathogenic for Neuronal ceroid lipofuscinosis 1. Last evaluated: 2025-10-27. Review status: criteria provided, single submitter. Criteria: Invitae Variant Classification Sherloc (09022015). Collection method: clinical testing. Allele origin: germline.
Comment: This sequence change creates a premature translational stop signal (p.Leu15Glyfs*45) in the PPT1 gene. It is expected to result in an absent or disrupted protein product. Loss-of-function variants in PPT1 are known to be pathogenic (PMID: 10679943, 21990111). This variant is present in population databases (rs762226836, gnomAD 0.004%). This variant has not been reported in the literature in individuals affected with PPT1-related conditions. ClinVar contains an entry for this variant (Variation ID: 551166). For these reasons, this variant has been classified as Pathogenic.

Counsyl
Classification: Likely pathogenic for Neuronal ceroid lipofuscinosis 1. Last evaluated: 2017-03-17. Review status: no assertion criteria provided. Collection method: clinical testing. Allele origin: unknown. Not counted in ClinVar's aggregate classification.

Literature cited by the submitters: PubMed 10679943 (cited by Labcorp Genetics (formerly Invitae), Labcorp); PubMed 21990111 (cited by Labcorp Genetics (formerly Invitae), Labcorp).

NM_000310.4(PPT1):c.29_41dup (p.Leu15fs)

Gene: PPT1 (palmitoyl-protein thioesterase 1; minus strand). Cytogenetic location: 1p34.2.
Variant type: Duplication.
Coding change: c.29_41dup on transcript NM_000310.4 (MANE Select); coding-DNA positions 29 to 41, 13 bases duplicated (TGGCTGTGGCTCT).
Protein change: p.Leu15fs; shifts the reading frame from leucine 15.
Molecular consequence: frameshift variant.
Genome position (GRCh38, 1-based): chr1:40,097,198-40,097,210, AGAGCCACAGCCA duplicated on the plus strand (TGGCTGTGGCTCT on the coding strand, the reverse complement: PPT1 is on the minus strand); duplicating any 13 consecutive bases within chr1:40,097,198-40,097,220 gives the same sequence; the c. name uses the placement nearest the transcript's 3' end. VCF-style (leftmost placement, unchanged base first): chr1-40097197-G-GAGAGCCACAGCCA. GRCh37 (hg19) VCF-style: chr1-40562869-G-GAGAGCCACAGCCA.
Other names: c.29_41dup, p.Leu15fs (NM_001142604.2, NM_001363695.2); short protein forms L15fs.
Identifiers: ClinVar variation 551166 (VCV000551166.5), dbSNP rs762226836, ClinGen allele CA789853.